The following is an entry in ClinVar:

NM_001368397.1(FRMPD4):c.2182G>C (p.Ala728Pro)

Gene: FRMPD4 (FERM and PDZ domain containing 4; plus strand). Cytogenetic location: Xp22.2.
Variant type: single nucleotide variant.
Coding change: c.2182G>C on transcript NM_001368397.1 (MANE Select); coding-DNA position 2182, G replaced by C.
Protein change: p.Ala728Pro; replaces alanine 728 with proline.
Molecular consequence: missense variant.
Genome position (GRCh38, 1-based): chrX:12,716,641, G>C. VCF-style: chrX-12716641-G-C. GRCh37 (hg19) VCF-style: chrX-12734760-G-C.
Other names: c.2293G>C, p.Ala765Pro (NM_001368395.3, NM_001368398.3); c.2188G>C, p.Ala730Pro (NM_001368396.3); c.2173G>C, p.Ala725Pro (NM_001368399.3); c.2062G>C, p.Ala688Pro (NM_001368400.3); c.2158G>C, p.Ala720Pro (NM_001368401.1, NM_001368402.3); c.2182G>C, p.Ala728Pro (NM_014728.3); short protein forms A688P, A720P, A725P, A728P, A730P, A765P.
Identifiers: ClinVar variation 985747 (VCV000985747.8), dbSNP rs750615873, ClinGen allele CA10349420.

ClinVar aggregate classification (germline): Uncertain significance. Review status: criteria provided, multiple submitters, no conflicts (2 of 4 stars). 3 submissions from 3 submitters: Uncertain significance (3). Last evaluated 2020-06-11.

Conditions:
Intellectual developmental disorder, X-linked 104. Also called: Intellectual disability, X-linked 104. Identifiers: MedGen C4310817, MONDO:0010509, OMIM 300983.
Inborn genetic diseases. Identifiers: MedGen C0950123, MeSH D030342.

Allele frequency attached by ClinVar (database versions not stated): TOPMed 0.00004.
gnomAD v4.1: 14 of 1,207,979 alleles (0.0012%); highest among the groups gnomAD compares: Admixed American, 0.0044%; no homozygotes.

Submissions (3):

Victorian Clinical Genetics Services, Murdoch Childrens Research Institute
Classification: Uncertain significance for Intellectual developmental disorder, X-linked 104. Last evaluated: 2020-06-11. Review status: criteria provided, single submitter. Criteria: ACMG Guidelines, 2015. Collection method: clinical testing. Allele origin: germline. Inheritance: X-linked recessive inheritance. Affected: yes.
Comment: Based on the classification scheme VCGS_Germline_v1.1.1, this variant is classified as 3C-VUS. Following criteria are met: 0102 - Loss-of-function is a known mechanism of disease for this gene. (N) 0109 - This gene is known to be associated with X-linked FRMPD4-related intellectual disability. (N) 0200 - Variant is predicted to result in a missense amino acid change from an alanine to a proline (exon 15). (N) 0253 - Variant is hemizygous. (N) 0304 - Variant is present in gnomAD <0.01 for a recessive condition (3 heterozygotes, 0 hemizygotes). (P) 0309 - Multiple alternative amino acid changes at the same position have been observed in gnomAD (highest allele count: 19 heterozygotes, 5 hemizygotes). (N) 0503 - Missense variant consistently predicted to be tolerated and not conserved in mammals with a minor amino acid change. (B) 0604 - Variant is not located in an established domain, motif, hotspot or informative constraint region. (N) 0705 - A comparable variant has previously been classified as a VUS in ClinVar. (N) 0807 - Variant has not previously been reported in a clinical context. (N) 0905 - No segregation evidence has been identified for this variant. (N) 1007 - No published functional evidence has been identified for this variant in the literature. (N) 1208 - Inheritance information for this variant is not currently available. (N) Legend: (P) - Pathogenic, (N) - Neutral, (B) - Benign

Ambry Genetics
Classification: Uncertain significance for Inborn genetic diseases. Last evaluated: 2020-01-15. Review status: criteria provided, single submitter. Criteria: Ambry Variant Classification Scheme 2023. Collection method: clinical testing. Allele origin: germline.
Comment: The alteration results in an amino acid change:_x000D_ _x000D_ The c.2182G>C (p.A728P) alteration is located in coding exon 15 of the FRMPD4 gene. This alteration results from a G to C substitution at nucleotide position 2182, causing the alanine (A) at amino acid position 728 to be replaced by a proline (P). The alteration has been observed in population databases: _x000D_ _x000D_ Based on data from the Genome Aggregation Database (gnomAD), the c.2182G>C alteration was observed in 0.0015%% (3/205,162) of total alleles studied. No hemizygotes were reported in gnomAD. The altered amino acid is not conserved throughout evolution:_x000D_ _x000D_ The p.A728 amino acid is not conserved in available vertebrate species. The alteration is predicted tolerated by in silico modeling:_x000D_ _x000D_ The p.A728P alteration is predicted to be tolerated by in silico analysis. Based on insufficient or conflicting evidence, the clinical significance of this alteration remains unclear.

Neuberg Centre For Genomic Medicine, NCGM
Classification: Uncertain significance for Intellectual developmental disorder, X-linked 104. Review status: criteria provided, single submitter. Criteria: ACMG Guidelines, 2015. Collection method: clinical testing. Allele origin: germline. Inheritance: X-linked inheritance. Affected: yes.
Comment: The missense variant p.Ala728Pro in FRMPD4 has been submitted to ClinVar as a Variant of Uncertain Significance, but no details are available for independent assessment. The p.Ala728Pro variant is novel (not in any individuals) in 1000 Genomes and has allele frequency of 0.001462% in gnomAD database. The amino acid Ala at position 728 is changed to a Pro changing protein sequence and it might alter its composition and physico-chemical properties. The amino acid change p.Ala728Pro in FRMPD4 is predicted as conserved by PhyloP across 100 vertebrates. For these reasons, this variant has been classified as Uncertain Significance (VUS)